The following is an entry in ClinVar:

ClinVar aggregate classification (germline): Uncertain significance (1 of 4 stars; one submission).

Conditions:
Familial cancer of breast. Also called: Hereditary breast cancer; hereditary breast carcinoma; BREAST CANCER, FAMILIAL. Identifiers: Orphanet 227535, MedGen C0346153, MONDO:0016419, OMIM 114480. Disease mechanism: loss of function.

Submission:

Labcorp Genetics (formerly Invitae), Labcorp
Classification: Uncertain significance for Familial cancer of breast. Last evaluated: 2022-10-05. Review status: criteria provided, single submitter. Criteria: Invitae Variant Classification Sherloc (09022015). Collection method: clinical testing. Allele origin: germline.
Comment: In summary, the available evidence is currently insufficient to determine the role of this variant in disease. Therefore, it has been classified as a Variant of Uncertain Significance. Algorithms developed to predict the effect of missense changes on protein structure and function are either unavailable or do not agree on the potential impact of this missense change (SIFT: "Tolerated"; PolyPhen-2: "Possibly Damaging"; Align-GVGD: "Class C0"). ClinVar contains an entry for this variant (Variation ID: 934547). This variant has not been reported in the literature in individuals affected with PALB2-related conditions. This variant is not present in population databases (gnomAD no frequency). This sequence change replaces glutamic acid, which is acidic and polar, with lysine, which is basic and polar, at codon 215 of the PALB2 protein (p.Glu215Lys).

NM_024675.4(PALB2):c.643G>A (p.Glu215Lys)

Gene: PALB2 (partner and localizer of BRCA2; minus strand). Cytogenetic location: 16p12.2.
Variant type: single nucleotide variant.
Coding change: c.643G>A on transcript NM_024675.4 (MANE Select); coding-DNA position 643, G replaced by A.
Protein change: p.Glu215Lys; replaces glutamic acid 215 with lysine.
Molecular consequence: missense variant.
Genome position (GRCh38, 1-based): chr16:23,635,903, C>T on the plus strand (G>A on the coding strand, the complement: PALB2 is on the minus strand). VCF-style: chr16-23635903-C-T. GRCh37 (hg19) VCF-style: chr16-23647224-C-T.
Other names: short protein forms E215K.
Identifiers: ClinVar variation 934547 (VCV000934547.10), dbSNP rs1555461693, ClinGen allele CA395136545.